The following is an entry in ClinVar:

ClinVar aggregate classification (germline): Uncertain significance (1 of 4 stars; one submission).

Conditions:
TTN-related disorder. Also called: TTN-related condition; TTN-related disease; TTN-related disorders.

gnomAD v4.1: 7 of 1,612,526 alleles (0.00043%); highest among the groups gnomAD compares: Admixed American, 0.0083%; no homozygotes.

Submission:

PreventionGenetics, part of Exact Sciences
Classification: Uncertain significance for TTN-related condition. Last evaluated: 2025-08-20. Review status: criteria provided, single submitter. Criteria: ACMG Guidelines, 2015. Collection method: clinical testing. Allele origin: germline.
Comment: The TTN c.49805C>T variant is predicted to result in the amino acid substitution p.Ala16602Val. To our knowledge, this variant has not been reported in the literature. This variant is reported in 0.012% of alleles in individuals of Latino descent in gnomAD. At this time, the clinical significance of this variant is uncertain due to the absence of conclusive functional and genetic evidence.

NM_001267550.2(TTN):c.49805C>T (p.Ala16602Val)

Genes: TTN (titin; minus strand), TTN-AS1 (TTN antisense RNA 1; plus strand). Cytogenetic location: 2q31.2.
Variant type: single nucleotide variant.
Coding change: c.49805C>T on transcript NM_001267550.2 (MANE Select); coding-DNA position 49805, C replaced by T.
Protein change: p.Ala16602Val; replaces alanine 16602 with valine.
Molecular consequence: missense variant.
Genome position (GRCh38, 1-based): chr2:178,612,916, G>A on the plus strand (C>T on the coding strand, the complement: TTN is on the minus strand). VCF-style: chr2-178612916-G-A. GRCh37 (hg19) VCF-style: chr2-179477643-G-A.
Other names: c.44882C>T, p.Ala14961Val (NM_001256850.1); c.22610C>T, p.Ala7537Val (NM_003319.4); c.42101C>T, p.Ala14034Val (NM_133378.4); c.22985C>T, p.Ala7662Val (NM_133432.3); c.23186C>T, p.Ala7729Val (NM_133437.4); short protein forms A16602V, A14034V, A14961V, A7537V, A7662V, A7729V.
Identifiers: ClinVar variation 4979148 (VCV004979148.1).